The following is an entry in ClinVar:

NM_014804.3(KIAA0753):c.1334C>T (p.Thr445Met)

Gene: KIAA0753 (KIAA0753; minus strand). Cytogenetic location: 17p13.1.
Variant type: single nucleotide variant.
Coding change: c.1334C>T on transcript NM_014804.3 (MANE Select); coding-DNA position 1334, C replaced by T.
Protein change: p.Thr445Met; replaces threonine 445 with methionine.
Molecular consequence: missense variant.
Genome position (GRCh38, 1-based): chr17:6,612,130, G>A on the plus strand (C>T on the coding strand, the complement: KIAA0753 is on the minus strand). VCF-style: chr17-6612130-G-A. GRCh37 (hg19) VCF-style: chr17-6515450-G-A.
Other names: p.Thr445Met; c.437C>T, p.Thr146Met (NM_001351225.2); short protein forms T146M, T445M.
Identifiers: ClinVar variation 1258749 (VCV001258749.14), dbSNP rs79720908, ClinGen allele CA8330506.

ClinVar aggregate classification (germline): Benign. Review status: criteria provided, multiple submitters, no conflicts (2 of 4 stars). 5 submissions from 5 submitters: Benign (4). 1 of the submissions does not count toward it. Last evaluated 2026-02-01.

Conditions:
KIAA0753-related disorder.

Allele frequency attached by ClinVar (database versions not stated): gnomAD exomes 0.00848; 1000 Genomes Project 0.02436; ExAC 0.01019; ESP Exome Variant Server 0.02370; 1000 Genomes Project 30x 0.02623.
gnomAD v4.1: 10,715 of 1,612,802 alleles (0.66%); highest among the groups gnomAD compares: African/African-American, 7.2%; 220 homozygotes.

Submissions (5):

Labcorp Genetics (formerly Invitae), Labcorp
Classification: Benign. Last evaluated: 2026-02-01. Review status: criteria provided, single submitter. Criteria: Invitae Variant Classification Sherloc (09022015). Collection method: clinical testing. Allele origin: germline.

Mayo Clinic Laboratories, Mayo Clinic
Classification: Benign. Last evaluated: 2023-04-03. Review status: criteria provided, single submitter. Criteria: ACMG Guidelines, 2015. Collection method: clinical testing. Allele origin: germline. Observed: 2 variant alleles.

GeneDx
Classification: Benign. Last evaluated: 2021-05-04. Review status: criteria provided, single submitter. Criteria: GeneDx Variant Classification Process June 2021. Collection method: clinical testing. Allele origin: germline. Affected: yes.

Breakthrough Genomics
Classification: Benign. Review status: criteria provided, single submitter. Criteria: ACMG Guidelines, 2015. Collection method: not provided. Allele origin: germline. Inheritance: Autosomal recessive inheritance. Affected: yes.

PreventionGenetics, part of Exact Sciences
Classification: Benign for KIAA0753-related condition. Last evaluated: 2020-01-02. Review status: no assertion criteria provided. Collection method: clinical testing. Allele origin: germline. Not counted in ClinVar's aggregate classification.
Comment: This variant is classified as benign based on ACMG/AMP sequence variant interpretation guidelines (Richards et al. 2015 PMID: 25741868, with internal and published modifications).